The following is an entry in ClinVar:

ClinVar aggregate classification (germline): Pathogenic (1 of 4 stars; one submission).

Submission:

Labcorp Genetics (formerly Invitae), Labcorp
Classification: Pathogenic. Last evaluated: 2023-07-08. Review status: criteria provided, single submitter. Criteria: Invitae Variant Classification Sherloc (09022015). Collection method: clinical testing. Allele origin: germline.
Comment: For these reasons, this variant has been classified as Pathogenic. This variant has not been reported in the literature in individuals affected with MYO15A-related conditions. The frequency data for this variant in the population databases is considered unreliable, as metrics indicate poor data quality at this position in the gnomAD database. This sequence change creates a premature translational stop signal (p.Pro824Glnfs*39) in the MYO15A gene. It is expected to result in an absent or disrupted protein product. Loss-of-function variants in MYO15A are known to be pathogenic (PMID: 17546645).

Literature cited by the submitters: PubMed 17546645.

NM_016239.4(MYO15A):c.2471del (p.Pro824fs)

Gene: MYO15A (myosin XVA; plus strand). Cytogenetic location: 17p11.2.
Variant type: Deletion.
Coding change: c.2471del on transcript NM_016239.4 (MANE Select); coding-DNA position 2471, one base deleted (C; older notation c.2471delC).
Protein change: p.Pro824fs; shifts the reading frame from proline 824.
Molecular consequence: frameshift variant.
Genome position (GRCh38, 1-based): chr17:18,121,271, C deleted; the last of 4 consecutive C bases (chr17:18,121,268-18,121,271); deleting any one gives the same sequence. VCF-style (leftmost placement, unchanged base first): chr17-18121267-TC-T. GRCh37 (hg19) VCF-style: chr17-18024581-TC-T.
Other names: short protein forms P824fs.
Identifiers: ClinVar variation 2875933 (VCV002875933.3), dbSNP rs2545187754, ClinGen allele CA498429751.